The following is an entry in ClinVar:

NM_001195553.2(DCX):c.406G>A (p.Val136Met)

Gene: DCX (doublecortin; minus strand). Cytogenetic location: Xq23.
Variant type: single nucleotide variant.
Coding change: c.406G>A on transcript NM_001195553.2 (MANE Select); coding-DNA position 406, G replaced by A.
Protein change: p.Val136Met; replaces valine 136 with methionine.
Molecular consequence: missense variant.
Genome position (GRCh38, 1-based): chrX:111,401,289, C>T on the plus strand (G>A on the coding strand, the complement: DCX is on the minus strand). VCF-style: chrX-111401289-C-T. GRCh37 (hg19) VCF-style: chrX-110644517-C-T.
Other names: c.649G>A, p.Val217Met (NM_000555.3); c.406G>A, p.Val136Met (NM_001369370.1, NM_001369371.1, NM_001369372.1 and 6 more transcripts); short protein forms V136M, V217M.
Identifiers: ClinVar variation 4856291 (VCV004856291.1).

ClinVar aggregate classification (germline): Uncertain significance (1 of 4 stars; one submission).

Conditions:
Lissencephaly type 1 due to doublecortin gene mutation. Also called: LISSENCEPHALY, X-LINKED, 1; LISSENCEPHALY AND AGENESIS OF CORPUS CALLOSUM. Identifiers: Orphanet 2148, MedGen C4551968, MONDO:0010239, OMIM 300067.

Submission:

3billion
Classification: Uncertain significance for Lissencephaly type 1 due to doublecortin gene mutation. Last evaluated: 2025-11-12. Review status: criteria provided, single submitter. Criteria: ACMG Guidelines, 2015. Collection method: clinical testing. Allele origin: germline. Affected: yes.
Comment: The variant is not observed in the gnomAD v4.1.0 dataset. Predicted Consequence/Location: The variant is located in a mutational hot spot and/or well-established functional domain in which established pathogenic variants have been reported. In silico tool predictions suggest damaging effect of the variant on gene or gene product [3Cnet: 0.99 (> 0.75, sensitivity 0.96 and precision 0.92)]. Different missense changes at the same codon have been reported as of uncertain significance (ClinVar ID: VCV003370610). Therefore, this variant is classified as VUS according to the recommendation of ACMG/AMP guideline.